The following is an entry in ClinVar:

ClinVar aggregate classification (germline): Likely benign. Review status: criteria provided, multiple submitters, no conflicts (2 of 4 stars). 2 submissions from 2 submitters: Likely benign (2). Last evaluated 2025-03-19.

Conditions:
MYO5B-related disorder. Also called: MYO5B-related condition.

Allele frequency attached by ClinVar (database versions not stated): ExAC 0.00001; gnomAD 0.00001; 1000 Genomes Project 30x 0.00016; 1000 Genomes Project 0.00020.
gnomAD v4.1: 1 of 1,614,000 alleles (0.000062%); highest among the groups gnomAD compares: East Asian, 0.0022%; no homozygotes.

Submissions (2):

PreventionGenetics, part of Exact Sciences
Classification: Likely benign for MYO5B-related condition. Last evaluated: 2025-03-19. Review status: criteria provided, single submitter. Criteria: ACMG Guidelines, 2015. Collection method: clinical testing. Allele origin: germline.
Comment: This variant is classified as likely benign based on ACMG/AMP sequence variant interpretation guidelines (Richards et al. 2015 PMID: 25741868, with internal and published modifications).

Labcorp Genetics (formerly Invitae), Labcorp
Classification: Likely benign. Last evaluated: 2022-06-26. Review status: criteria provided, single submitter. Criteria: Invitae Variant Classification Sherloc (09022015). Collection method: clinical testing. Allele origin: germline.

NM_001080467.3(MYO5B):c.2973G>A (p.Glu991=)

Gene: MYO5B (myosin VB; minus strand). Cytogenetic location: 18q21.1.
Variant type: single nucleotide variant.
Coding change: c.2973G>A on transcript NM_001080467.3 (MANE Select); coding-DNA position 2973, G replaced by A.
Protein change: p.Glu991=; no amino-acid change (glutamic acid 991 retained).
Molecular consequence: synonymous variant.
Genome position (GRCh38, 1-based): chr18:49,895,013, C>T on the plus strand (G>A on the coding strand, the complement: MYO5B is on the minus strand). VCF-style: chr18-49895013-C-T. GRCh37 (hg19) VCF-style: chr18-47421383-C-T.
Other names: c.2973G>A (NM_001080467.2).
Identifiers: ClinVar variation 1938493 (VCV001938493.6), dbSNP rs141594727, ClinGen allele CA8960885.
Genomic context (GRCh38, chr18:49,895,013, plus strand): 5'-ATCTTTCTCCCTGCTGTGGGCGTCCTCCAAGATCTTGCGCTCCGAGTGGGCCCTCTGCAG[C>T]TCTGTGCGCAGGCTCTCCACCTCCTCCTGCAGCCTGAGGCTGGTGTCCTCACCTGGGCTC-3'
Protein context (NP_001073936.1, residues 981-1001): LQEEVESLRT[Glu991=]LQRAHSERKI